The following is an entry in ClinVar:

NM_000368.5(TSC1):c.3155C>G (p.Pro1052Arg)

Gene: TSC1 (TSC complex subunit 1; minus strand). Cytogenetic location: 9q34.13.
Variant type: single nucleotide variant.
Coding change: c.3155C>G on transcript NM_000368.5 (MANE Select); coding-DNA position 3155, C replaced by G.
Protein change: p.Pro1052Arg; replaces proline 1052 with arginine.
Molecular consequence: missense variant. On other transcripts: non-coding transcript variant (5).
Genome position (GRCh38, 1-based): chr9:132,896,575, G>C on the plus strand (C>G on the coding strand, the complement: TSC1 is on the minus strand). VCF-style: chr9-132896575-G-C. GRCh37 (hg19) VCF-style: chr9-135771962-G-C.
Other names: c.3152C>G, p.Pro1051Arg (NM_001162426.2, NM_001406597.1, NM_001406598.1 and 2 more transcripts); c.3002C>G, p.Pro1001Arg (NM_001162427.2, NM_001406610.1); c.2792C>G, p.Pro931Arg (NM_001362177.2, NM_001406614.1, NM_001406615.1 and 4 more transcripts); c.3155C>G, p.Pro1052Arg (NM_001406592.1, NM_001406593.1, NM_001406594.1 and 2 more transcripts); c.3140C>G, p.Pro1047Arg (NM_001406601.1, NM_001406602.1); c.3137C>G, p.Pro1046Arg (NM_001406603.1, NM_001406604.1); c.3113C>G, p.Pro1038Arg (NM_001406605.1, NM_001406606.1, NM_001406607.1); c.3110C>G, p.Pro1037Arg (NM_001406608.1, NM_001406609.1); and 8 more; short protein forms P930R, P1038R, P734R, P916R, P986R, P1000R, P1037R, P1047R.
Identifiers: ClinVar variation 2473052 (VCV002473052.2), dbSNP rs2131605173, ClinGen allele CA375367218.
Genomic context (GRCh38, chr9:132,896,575, plus strand): 5'-GCAGACGCTTCTCCCATAGTCGTCTCCCACCGACTGCTGAATGGGCCTGCCCTCTGGTGT[G>C]GGGGTTTCTCTGGGGTAGAAAGCTCGCTGCTGCTGCTGCTGCTGCCTCCACCACCTCTGC-3'
Protein context (NP_000359.1, residues 1042-1062): SSELSTPEKP[Pro1052Arg]HQRAGPFSSR

ClinVar aggregate classification (germline): Uncertain significance (1 of 4 stars; one submission).

Conditions:
Hereditary cancer-predisposing syndrome. Also called: Neoplastic Syndromes, Hereditary; Hereditary neoplastic syndrome; Tumor predisposition; Hereditary Cancer Syndrome. Identifiers: Orphanet 140162, MedGen C0027672, MeSH D009386, MONDO:0015356.

gnomAD v4.1: 2 of 1,614,048 alleles (0.00012%); highest among the groups gnomAD compares: African/African-American, 0.0027%; no homozygotes.

Submission:

Ambry Genetics
Classification: Uncertain significance for Hereditary cancer-predisposing syndrome. Last evaluated: 2023-02-23. Review status: criteria provided, single submitter. Criteria: Ambry Variant Classification Scheme 2023. Collection method: clinical testing. Allele origin: germline.
Comment: The p.P1052R variant (also known as c.3155C>G), located in coding exon 21 of the TSC1 gene, results from a C to G substitution at nucleotide position 3155. The proline at codon 1052 is replaced by arginine, an amino acid with dissimilar properties. This amino acid position is conserved. In addition, the in silico prediction for this alteration is inconclusive. Since supporting evidence is limited at this time, the clinical significance of this alteration remains unclear.